The following is an entry in ClinVar:

ClinVar aggregate classification (germline): Conflicting classifications of pathogenicity. Review status: criteria provided, conflicting classifications (1 of 4 stars). 3 submissions from 3 submitters: Likely pathogenic (1); Uncertain significance (2). Last evaluated 2026-09-22.

Conditions:
KCNQ4-related disorder. Also called: KCNQ4-related condition.

Submissions (3):

PreventionGenetics, part of Exact Sciences
Classification: Uncertain significance for KCNQ4-related condition. Last evaluated: 2026-09-22. Review status: criteria provided, single submitter. Criteria: ACMG Guidelines, 2015. Collection method: clinical testing. Allele origin: germline.
Comment: The KCNQ4 c.992G>A variant is predicted to result in the amino acid substitution p.Arg331Gln. This variant has been reported in the heterozygous state in two unrelated individuals with hearing loss (Lee et al. 2021. PubMed ID: 34316018; Oh et al. 2023. PubMed ID: 37009795). Functional in vitro studies using whole-cell patch-clamp electrophysiology experiments demonstrated that this variant impaired potassium currents in homotetrameric channels and to a significant extent also in heterotetrameric channels (Lee et al. 2021. PubMed ID: 34316018; Oh et al. 2023. PubMed ID: 37009795). Alternative variants at the same codon (Arg331Trp, Arg331Pro, Arg331Leu) have been reported in patients with hearing loss (Oh et al. 2023. PubMed ID: 37009795; Table S1, Walls et al. 2020. PubMed ID: 32382995; Table S1, Usami et al. 2021. PubMed ID: 34599366). This variant is interpreted as uncertain and likely pathogenic in ClinVar (Variation ID: 3771864). This variant is reported in 0.00091% of alleles in individuals of European (Non-Finnish) descent in gnomAD. Although we suspect that this variant is pathogenic, at this time, the clinical significance of this variant is uncertain due to the absence of conclusive functional and genetic evidence.

Labcorp Genetics (formerly Invitae), Labcorp
Classification: Uncertain significance. Last evaluated: 2025-10-07. Review status: criteria provided, single submitter. Criteria: Invitae Variant Classification Sherloc (09022015). Collection method: clinical testing. Allele origin: germline.
Comment: This sequence change replaces arginine, which is basic and polar, with glutamine, which is neutral and polar, at codon 331 of the KCNQ4 protein (p.Arg331Gln). The frequency data for this variant in the population databases is considered unreliable, as metrics indicate poor data quality at this position in the gnomAD database. This missense change has been observed in individual(s) with KCNQ4-related conditions (PMID: 34316018, 37009795). ClinVar contains an entry for this variant (Variation ID: 3771864). Invitae Evidence Modeling of protein sequence and biophysical properties (such as structural, functional, and spatial information, amino acid conservation, physicochemical variation, residue mobility, and thermodynamic stability) indicates that this missense variant is expected to disrupt KCNQ4 protein function with a positive predictive value of 95%. Experimental studies have shown that this missense change affects KCNQ4 function (PMID: 34316018, 37009795). In summary, the available evidence is currently insufficient to determine the role of this variant in disease. Therefore, it has been classified as a Variant of Uncertain Significance.

CeGaT Center for Human Genetics Tuebingen
Classification: Likely pathogenic. Last evaluated: 2025-09-01. Review status: criteria provided, single submitter. Criteria: CeGaT Center For Human Genetics Tuebingen Variant Classification Criteria Version 2. Collection method: clinical testing. Allele origin: germline. Affected: yes. Observed: 2 variant alleles.
Comment: KCNQ4: PM2, PS4:Moderate, PM5:Supporting, PP3, PS3:Supporting

Literature cited by the submitters: PubMed 34316018 (cited by Labcorp Genetics (formerly Invitae), Labcorp); PubMed 37009795 (cited by Labcorp Genetics (formerly Invitae), Labcorp).

NM_004700.4(KCNQ4):c.992G>A (p.Arg331Gln)

Gene: KCNQ4 (potassium voltage-gated channel subfamily Q member 4; plus strand). Cytogenetic location: 1p34.2.
Variant type: single nucleotide variant.
Coding change: c.992G>A on transcript NM_004700.4 (MANE Select); coding-DNA position 992, G replaced by A.
Protein change: p.Arg331Gln; replaces arginine 331 with glutamine.
Molecular consequence: missense variant.
Genome position (GRCh38, 1-based): chr1:40,820,211, G>A. VCF-style: chr1-40820211-G-A. GRCh37 (hg19) VCF-style: chr1-41285883-G-A.
Other names: c.992G>A (NM_004700.3); c.992G>A, p.Arg331Gln (NM_172163.3); short protein forms R331Q.
Identifiers: ClinVar variation 3771864 (VCV003771864.15).
Genomic context (GRCh38, chr1:40,820,211, plus strand): 5'-CCCTATCCCTCTAGGGCATCCTAGGCTCCGGCTTTGCCCTGAAGGTCCAGGAGCAGCACC[G>A]GCAGAAGCACTTCGAGAAGCGGAGGATGCCGGCAGCCAACCTCATCCAGGTACAAGATGC-3'
Protein context (NP_004691.2, residues 321-341): GFALKVQEQH[Arg331Gln]QKHFEKRRMP